The following is an entry in ClinVar:

ClinVar aggregate classification (germline): Uncertain significance (1 of 4 stars; one submission).

Conditions:
2-aminoadipic 2-oxoadipic aciduria (AAKAD). Also called: Aminoadipic aciduria; ALPHA-AMINOADIPIC AND ALPHA-KETOADIPIC ACIDURIA. Identifiers: Orphanet 79154, MedGen C1859817, MONDO:0008774, OMIM 204750.

Allele frequency attached by ClinVar (database versions not stated): ExAC 0.00001; gnomAD 0.00001.
gnomAD v4.1: 4 of 1,613,996 alleles (0.00025%); highest among the groups gnomAD compares: Admixed American, 0.0033%; no homozygotes.

Submission:

Labcorp Genetics (formerly Invitae), Labcorp
Classification: Uncertain significance for 2-aminoadipic 2-oxoadipic aciduria. Last evaluated: 2023-03-14. Review status: criteria provided, single submitter. Criteria: Invitae Variant Classification Sherloc (09022015). Collection method: clinical testing. Allele origin: germline.
Comment: In summary, the available evidence is currently insufficient to determine the role of this variant in disease. Therefore, it has been classified as a Variant of Uncertain Significance. Algorithms developed to predict the effect of missense changes on protein structure and function output the following: SIFT: "Not Available"; PolyPhen-2: "Benign"; Align-GVGD: "Not Available". The serine amino acid residue is found in multiple mammalian species, which suggests that this missense change does not adversely affect protein function. This variant has not been reported in the literature in individuals affected with DHTKD1-related conditions. This variant is present in population databases (rs761570353, gnomAD 0.006%). This sequence change replaces asparagine, which is neutral and polar, with serine, which is neutral and polar, at codon 254 of the DHTKD1 protein (p.Asn254Ser).

NM_018706.7(DHTKD1):c.761A>G (p.Asn254Ser)

Gene: DHTKD1 (dehydrogenase E1 and transketolase domain containing 1; plus strand). Cytogenetic location: 10p14.
Variant type: single nucleotide variant.
Coding change: c.761A>G on transcript NM_018706.7 (MANE Select); coding-DNA position 761, A replaced by G.
Protein change: p.Asn254Ser; replaces asparagine 254 with serine.
Molecular consequence: missense variant.
Genome position (GRCh38, 1-based): chr10:12,089,029, A>G. VCF-style: chr10-12089029-A-G. GRCh37 (hg19) VCF-style: chr10-12131028-A-G.
Other names: short protein forms N254S.
Identifiers: ClinVar variation 3013884 (VCV003013884.3), dbSNP rs761570353, ClinGen allele CA5407645.